The following is an entry in ClinVar:

ClinVar aggregate classification (germline): Likely pathogenic. Review status: criteria provided, multiple submitters, no conflicts (2 of 4 stars). 2 submissions from 2 submitters: Likely pathogenic (2). Last evaluated 2025-10-03.

Conditions:
Adenine phosphoribosyltransferase deficiency (APRTD). Also called: Urolithiasis, dha; 2,8-dihydroxyadenine urolithiasis; APRT DEFICIENCY; NEPHROLITHIASIS, DHA. Identifiers: Orphanet 976, MedGen C0268120, MONDO:0013869, OMIM 614723.

Submissions (2):

Rare Kidney Stone Consortium and the Mayo Clinic Hyperoxaluria Center, Mayo Clinic
Classification: Likely pathogenic for Adenine phosphoribosyltransferase deficiency. Last evaluated: 2025-10-03. Review status: criteria provided, single submitter. Criteria: ACMG Guidelines, 2015. Collection method: research. Allele origin: germline. Affected: yes. Observed: 1 variant allele.
Comment: ACMG:PM1, PM2, PM3, PM6, PP3, PP4

University of Washington Department of Laboratory Medicine, University of Washington
Classification: Likely pathogenic for Adenine phosphoribosyltransferase deficiency. Last evaluated: 2022-10-25. Review status: criteria provided, single submitter. Criteria: ACMG Guidelines, 2015. Collection method: clinical testing. Allele origin: unknown. Affected: yes.
Comment: This individual’s features are highly specific for a diagnosis of adenine phosphoribosyltransferase (APRT) deficiency. The p.Gly133Arg was absent from large population databases, including the Genome Aggregation Database. Notably, a different amino acid change at this residue (p.Gly133Asp) has been previously identified as homozygous in an individual with 2,8-dihydroxyadenine urolithiasis (Taniguchi 2004). Most APRT missense variants that have been classified have been classified as pathogenic or likely pathogenic, which may suggest that this gene is intolerant to missense variation. In silico tools predict that the p.Gly133Arg is deleterious; however, these predictions have not been tested directly. Using ACMG guidelines and a quantitative Bayesian formulation (Tavtigian 2018), this variant was classified as likely pathogenic (ACMG evidence codes used: PM3_supporting, PM5_supporting, PM2_supporting, PP2, PP3, and PP4).

Literature cited by the submitters: PubMed 40794449 (cited by Rare Kidney Stone Consortium and the Mayo Clinic Hyperoxaluria Center, Mayo Clinic).

NM_000485.3(APRT):c.397G>C (p.Gly133Arg)

Gene: APRT (adenine phosphoribosyltransferase; minus strand). Cytogenetic location: 16q24.3.
Variant type: single nucleotide variant.
Coding change: c.397G>C on transcript NM_000485.3 (MANE Select); coding-DNA position 397, G replaced by C.
Protein change: p.Gly133Arg; replaces glycine 133 with arginine.
Molecular consequence: missense variant.
Genome position (GRCh38, 1-based): chr16:88,810,073, C>G on the plus strand (G>C on the coding strand, the complement: APRT is on the minus strand). VCF-style: chr16-88810073-C-G. GRCh37 (hg19) VCF-style: chr16-88876481-C-G.
Other names: c.397G>C, p.Gly133Arg (NM_001030018.2); c.397G>C (NM_000485.2); short protein forms G133R.
Identifiers: ClinVar variation 3777188 (VCV003777188.2).
Genomic context (GRCh38, chr16:88,810,073, plus strand): 5'-GTCCCACTCCCACCAGGCCCTTGGAGCCACAGCAGTTGGCTGCGGGGAGACCCTTACCAC[C>G]AGTGGCCAGCAGATCATCCACGACGACCACCCTCTGTCCTGGCTCCAGGGCGTCTTTCTG-3'
Protein context (NP_000476.1, residues 123-143): VVVVDDLLAT[Gly133Arg]GTMNAACELL